The following is an entry in ClinVar:

NC_000007.13:g.(?_143013209)_(143049107_?)del

Gene: CLCN1 (chloride voltage-gated channel 1; plus strand). Cytogenetic location: 7q34.
Variant type: Deletion.
Identifiers: ClinVar variation 1429319 (VCV001429319.3).

ClinVar aggregate classification (germline): Pathogenic (1 of 4 stars; one submission).

Conditions:
Congenital myotonia, autosomal recessive form. Also called: BECKER DISEASE; Becker Generalized Myotonia; myotonia congenita, autosomal recessive. Identifiers: Orphanet 614, MedGen C0751360, MONDO:0009715, OMIM 255700.
Congenital myotonia, autosomal dominant form (THD). Also called: THOMSEN DISEASE; Myotonia congenita autosomal dominant. Identifiers: Orphanet 614, MedGen C2936781, MONDO:0008055, OMIM 160800.

Submission:

Labcorp Genetics (formerly Invitae), Labcorp
Classification: Pathogenic for Congenital myotonia, autosomal recessive form; Congenital myotonia, autosomal dominant form. Last evaluated: 2021-03-01. Review status: criteria provided, single submitter. Criteria: Invitae Variant Classification Sherloc (09022015). Collection method: clinical testing. Allele origin: germline.
Comment: A gross deletion of the genomic region encompassing the full coding sequence of the CLCN1 gene has been identified. Loss-of-function variants in CLCN1 are known to be pathogenic (PMID: 17932099, 22094069, 23739125). The boundaries of this event are unknown as they extend beyond the assayed region for this gene and therefore may encompass additional genes. This variant has not been reported in the literature in individuals with CLCN1-related conditions. For these reasons, this variant has been classified as Pathogenic.

Literature cited by the submitters: PubMed 17932099; PubMed 22094069; PubMed 23739125.